The following is an entry in ClinVar:

NC_000002.11:g.(?_15307172)_(15519975_?)del

Gene: NBAS (NBAS subunit of NRZ tethering complex; minus strand). Cytogenetic location: 2p24.3.
Variant type: Deletion.
Identifiers: ClinVar variation 2426228 (VCV002426228.4).

ClinVar aggregate classification (germline): Pathogenic (1 of 4 stars; one submission).

Submission:

Labcorp Genetics (formerly Invitae), Labcorp
Classification: Pathogenic. Last evaluated: 2022-10-10. Review status: criteria provided, single submitter. Criteria: Invitae Variant Classification Sherloc (09022015). Collection method: clinical testing. Allele origin: germline.
Comment: This variant is a gross deletion of the genomic region encompassing exon(s) 30-52 of the NBAS gene, which includes the termination codon. This deletion extends beyond the assayed region for this gene and therefore may encompass additional genes. While this deletion is not anticipated to lead to nonsense mediated decay, it is expected to alter mRNA translation or result in a truncated protein product. This variant has not been reported in the literature in individuals affected with NBAS-related conditions. This variant disrupts a region of the NBAS protein in which other variant(s) (p.Arg1914His) have been determined to be pathogenic (PMID: 20577004, 24884844, 28031453, 28115293, 28425089). This suggests that this is a clinically significant region of the protein, and that variants that disrupt it are likely to be disease-causing. For these reasons, this variant has been classified as Pathogenic.

Literature cited by the submitters: PubMed 20577004; PubMed 24884844; PubMed 28031453; PubMed 28115293; PubMed 28425089.